The following is an entry in ClinVar:

ClinVar aggregate classification (germline): Conflicting classifications of pathogenicity. Review status: criteria provided, conflicting classifications (1 of 4 stars). 2 submissions from 2 submitters: Uncertain significance (1); Likely benign (1). Last evaluated 2023-03-23.

Conditions:
Hereditary cancer-predisposing syndrome. Also called: Neoplastic Syndromes, Hereditary; Tumor predisposition; Hereditary Cancer Syndrome; Hereditary neoplastic syndrome. Identifiers: Orphanet 140162, MedGen C0027672, MeSH D009386, MONDO:0015356.

Submissions (2):

University of Washington Department of Laboratory Medicine, University of Washington
Classification: Likely benign for Hereditary cancer-predisposing syndrome. Last evaluated: 2023-03-23. Review status: criteria provided, single submitter. Criteria: Dines et al. (Genet Med. 2020). Collection method: curation. Allele origin: germline.
Comment: Missense variant in a coldspot region where missense variants are very unlikely to be pathogenic (PMID:31911673).

BRCA1 coldspot (exon 11 using historical exon numbering). Reclassification based on statistical prior probability

Ambry Genetics
Classification: Uncertain significance for Hereditary cancer-predisposing syndrome. Last evaluated: 2015-08-21. Review status: criteria provided, single submitter. Criteria: Ambry Variant Classification Scheme 2023. Collection method: clinical testing. Allele origin: germline.
Comment: The p.E595G variant (also known as c.1784A>G), located in coding exon 9 of the BRCA1 gene, results from an A to G substitution at nucleotide position 1784. The glutamic acid at codon 595 is replaced by glycine, an amino acid with similar properties. This amino acid position is well conserved in available vertebrate species; however, glycine is the reference amino acid in other vertebrate species. In addition, the in silico prediction for this alteration is inconclusive. Since supporting evidence is limited at this time, the clinical significance of this alteration remains unclear.

NM_007294.4(BRCA1):c.1784A>G (p.Glu595Gly)

Gene: BRCA1 (BRCA1 DNA repair associated; minus strand). Cytogenetic location: 17q21.31.
Variant type: single nucleotide variant.
Coding change: c.1784A>G on transcript NM_007294.4 (MANE Select); coding-DNA position 1784, A replaced by G.
Protein change: p.Glu595Gly; replaces glutamic acid 595 with glycine.
Molecular consequence: missense variant. On other transcripts: intron variant (137).
Genome position (GRCh38, 1-based): chr17:43,093,747, T>C on the plus strand (A>G on the coding strand, the complement: BRCA1 is on the minus strand). VCF-style: chr17-43093747-T-C. GRCh37 (hg19) VCF-style: chr17-41245764-T-C.
Other names: c.787+997A>G (NM_001408404.1, NM_001408472.1, NM_001407990.1 and 19 more transcripts); c.577+997A>G (NM_001408492.1, NM_001408513.1, NM_001408489.1 and 9 more transcripts); c.643+997A>G (NM_001408468.1, NM_001408465.1, NM_001408463.1 and 3 more transcripts); c.523+997A>G (NM_001408501.1, NM_001408500.1, NM_001408497.1 and 3 more transcripts); c.646+997A>G (NM_001408455.1, NM_001408466.1, NM_001408452.1 and 11 more transcripts); c.520+997A>G (NM_001408503.1, NM_001408505.1, NM_001408504.1); c.404-2715A>G (NM_001408511.1); c.460+2099A>G (NM_001408507.1, NM_001408506.1); and 40 more; short protein forms E595G, E548G, E427G, E507G, E468G, E483G, E527G, E547G.
Identifiers: ClinVar variation 233515 (VCV000233515.8), dbSNP rs876660455, ClinGen allele CA10580650.